The following is an entry in ClinVar:

ClinVar aggregate classification (germline): Pathogenic. Review status: criteria provided, multiple submitters, no conflicts (2 of 4 stars). 2 submissions from 2 submitters: Pathogenic (2). Last evaluated 2025-09-05.

Conditions:
RHO-related disorder. Also called: RHO-related condition.

Submissions (2):

Labcorp Genetics (formerly Invitae), Labcorp
Classification: Pathogenic. Last evaluated: 2025-09-05. Review status: criteria provided, single submitter. Criteria: Invitae Variant Classification Sherloc (09022015). Collection method: clinical testing. Allele origin: germline.
Comment: This sequence change replaces arginine, which is basic and polar, with proline, which is neutral and non-polar, at codon 135 of the RHO protein (p.Arg135Pro). This variant is not present in population databases (gnomAD no frequency). This missense change has been observed in individual(s) with autosomal dominant retinitis pigmentosa (PMID: 18175313, 33420188). It has also been observed to segregate with disease in related individuals. ClinVar contains an entry for this variant (Variation ID: 1455410). Invitae Evidence Modeling of protein sequence and biophysical properties (such as structural, functional, and spatial information, amino acid conservation, physicochemical variation, residue mobility, and thermodynamic stability) indicates that this missense variant is expected to disrupt RHO protein function with a positive predictive value of 95%. Experimental studies have shown that this missense change affects RHO function (PMID: 30977563). This variant disrupts the p.Arg135 amino acid residue in RHO. Other variant(s) that disrupt this residue have been determined to be pathogenic (PMID: 1862076, 18175313, 25101269, 28559085). This suggests that this residue is clinically significant, and that variants that disrupt this residue are likely to be disease-causing. For these reasons, this variant has been classified as Pathogenic.

Blueprint Genetics
Classification: Pathogenic for RHO-related disorders. Last evaluated: 2022-05-19. Review status: criteria provided, single submitter. Criteria: ACMG Guidelines, 2015. Collection method: clinical testing. Allele origin: germline. Affected: yes. Observed: 2 variant alleles.

Literature cited by the submitters: PubMed 18175313 (cited by Labcorp Genetics (formerly Invitae), Labcorp); PubMed 33420188 (cited by Labcorp Genetics (formerly Invitae), Labcorp); PubMed 30977563 (cited by Labcorp Genetics (formerly Invitae), Labcorp); PubMed 1862076 (cited by Labcorp Genetics (formerly Invitae), Labcorp); PubMed 25101269 (cited by Labcorp Genetics (formerly Invitae), Labcorp); PubMed 28559085 (cited by Labcorp Genetics (formerly Invitae), Labcorp).

NM_000539.3(RHO):c.404G>C (p.Arg135Pro)

Gene: RHO (rhodopsin; plus strand). Cytogenetic location: 3q22.1.
Variant type: single nucleotide variant.
Coding change: c.404G>C on transcript NM_000539.3 (MANE Select); coding-DNA position 404, G replaced by C.
Protein change: p.Arg135Pro; replaces arginine 135 with proline.
Molecular consequence: missense variant.
Genome position (GRCh38, 1-based): chr3:129,530,918, G>C. VCF-style: chr3-129530918-G-C. GRCh37 (hg19) VCF-style: chr3-129249761-G-C.
Other names: short protein forms R135P.
Identifiers: ClinVar variation 1455410 (VCV001455410.7), dbSNP rs104893774, ClinGen allele CA354498057.